The following is an entry in ClinVar:

ClinVar aggregate classification (germline): Pathogenic (1 of 4 stars; one submission).

Conditions:
Duchenne muscular dystrophy (DMD). Also called: MUSCULAR DYSTROPHY, PSEUDOHYPERTROPHIC PROGRESSIVE, DUCHENNE TYPE; Duchenne Muscular Dystrophy (DMD). Identifiers: Orphanet 98896, MedGen C0013264, MONDO:0010679, OMIM 310200.

Submission:

Labcorp Genetics (formerly Invitae), Labcorp
Classification: Pathogenic for Duchenne muscular dystrophy. Last evaluated: 2020-10-07. Review status: criteria provided, single submitter. Criteria: Invitae Variant Classification Sherloc (09022015). Collection method: clinical testing. Allele origin: germline.
Comment: This variant results in a copy number gain of the genomic region encompassing exon 44 of the DMD gene. While the exact position of this variant cannot be determined from this data, sub-genic copy number gains are generally in tandem (PMID: 25640679) and may result in an absent or disrupted protein product. Copy number gains of exon 44 have been observed in several individuals affected with Duchenne or Becker muscular dystrophy (PMID: 12111668, 16917894, 25482253). Loss-of-function variants in DMD are known to be pathogenic (PMID: 16770791, 25007885). For these reasons, this variant has been classified as Pathogenic.

Literature cited by the submitters: PubMed 25640679; PubMed 12111668; PubMed 16917894; PubMed 25482253; PubMed 16770791; PubMed 25007885.

NC_000023.10:g.(?_32235013)_(32235200_?)dup

Gene: DMD (dystrophin; minus strand). Cytogenetic location: Xp21.1.
Variant type: Duplication.
Identifiers: ClinVar variation 1070488 (VCV001070488.1).